The following is an entry in ClinVar:

ClinVar aggregate classification (germline): Uncertain significance (1 of 4 stars; one submission).

Conditions:
FGFR2-related craniosynostosis. Identifiers: MedGen CN231480.

gnomAD v4.1: 1 of 1,614,086 alleles (0.000062%); highest among the groups gnomAD compares: Non-Finnish European, 0.000085%; no homozygotes.

Submission:

Labcorp Genetics (formerly Invitae), Labcorp
Classification: Uncertain significance for FGFR2-related craniosynostosis. Last evaluated: 2025-04-23. Review status: criteria provided, single submitter. Criteria: Invitae Variant Classification Sherloc (09022015). Collection method: clinical testing. Allele origin: germline.
Comment: This sequence change replaces glutamine, which is neutral and polar, with histidine, which is basic and polar, at codon 43 of the FGFR2 protein (p.Gln43His). This variant is present in population databases (rs771790476, gnomAD 0.0009%). This variant has not been reported in the literature in individuals affected with FGFR2-related conditions. Invitae Evidence Modeling of protein sequence and biophysical properties (such as structural, functional, and spatial information, amino acid conservation, physicochemical variation, residue mobility, and thermodynamic stability) has been performed for this missense variant. However, the output from this modeling did not meet the statistical confidence thresholds required to predict the impact of this variant on FGFR2 protein function. In summary, the available evidence is currently insufficient to determine the role of this variant in disease. Therefore, it has been classified as a Variant of Uncertain Significance.

NM_000141.5(FGFR2):c.129A>C (p.Gln43His)

Gene: FGFR2 (fibroblast growth factor receptor 2; minus strand). Cytogenetic location: 10q26.13.
Variant type: single nucleotide variant.
Coding change: c.129A>C on transcript NM_000141.5 (MANE Select); coding-DNA position 129, A replaced by C.
Protein change: p.Gln43His; replaces glutamine 43 with histidine.
Molecular consequence: missense variant. On other transcripts: intron variant (9).
Genome position (GRCh38, 1-based): chr10:121,565,685, T>G on the plus strand (A>C on the coding strand, the complement: FGFR2 is on the minus strand). VCF-style: chr10-121565685-T-G. GRCh37 (hg19) VCF-style: chr10-123325199-T-G.
Other names: c.129A>C, p.Gln43His (NM_001144913.1, NM_001144914.1, NM_001144917.2 and 3 more transcripts); c.110-14226A>C (NM_001144918.2, NM_001441091.1, NM_001441090.1 and 1 more transcripts); c.110-1106A>C (NM_001441089.1, NM_023029.3, NM_001441088.1 and 2 more transcripts); short protein forms Q43H.
Identifiers: ClinVar variation 4777647 (VCV004777647.1).